The following is an entry in ClinVar:

ClinVar aggregate classification (germline): Uncertain significance (1 of 4 stars; one submission).

Submission:

Ambry Genetics
Classification: Uncertain significance. Last evaluated: 2024-03-02. Review status: criteria provided, single submitter. Criteria: Ambry Variant Classification Scheme 2023. Collection method: clinical testing. Allele origin: germline.
Comment: The p.T236K variant (also known as c.707C>A), located in coding exon 1 of the EGLN1 gene, results from a C to A substitution at nucleotide position 707. The threonine at codon 236 is replaced by lysine, an amino acid with similar properties. This amino acid position is conserved. In addition, this alteration is predicted to be tolerated by in silico analysis. Based on the available evidence, the clinical significance of this alteration remains unclear.

NM_022051.3(EGLN1):c.707C>A (p.Thr236Lys)

Gene: EGLN1 (egl-9 family hypoxia inducible factor 1; minus strand). Cytogenetic location: 1q42.2.
Variant type: single nucleotide variant.
Coding change: c.707C>A on transcript NM_022051.3 (MANE Select); coding-DNA position 707, C replaced by A.
Protein change: p.Thr236Lys; replaces threonine 236 with lysine.
Molecular consequence: missense variant.
Genome position (GRCh38, 1-based): chr1:231,421,182, G>T on the plus strand (C>A on the coding strand, the complement: EGLN1 is on the minus strand). VCF-style: chr1-231421182-G-T. GRCh37 (hg19) VCF-style: chr1-231556928-G-T.
Other names: c.707C>A, p.Thr236Lys (NM_001377260.1, NM_001377261.1); short protein forms T236K.
Identifiers: ClinVar variation 3227741 (VCV003227741.1), dbSNP rs2527358853, ClinGen allele CA345235737.